The following is an entry in ClinVar:

ClinVar aggregate classification (germline): Likely benign. Review status: criteria provided, multiple submitters, no conflicts (2 of 4 stars). 3 submissions from 3 submitters: Likely benign (2). 1 of the submissions does not count toward it. Last evaluated 2025-12-15.

Conditions:
VCAN-related disorder. Also called: VCAN-related condition.

Allele frequency attached by ClinVar (database versions not stated): TOPMed 0.00008; gnomAD 0.00009 and 0.00010; gnomAD exomes 0.00011; ExAC 0.00014; ESP Exome Variant Server 0.00015.
gnomAD v4.1: 227 of 1,613,926 alleles (0.014%); highest among the groups gnomAD compares: Non-Finnish European, 0.018%; 1 homozygote.

Submissions (3):

Labcorp Genetics (formerly Invitae), Labcorp
Classification: Likely benign. Last evaluated: 2025-12-15. Review status: criteria provided, single submitter. Criteria: Invitae Variant Classification Sherloc (09022015). Collection method: clinical testing. Allele origin: germline.

Blueprint Genetics
Classification: Likely benign. Last evaluated: 2024-11-07. Review status: criteria provided, single submitter. Criteria: ACMG Guidelines, 2015. Collection method: clinical testing. Allele origin: germline.

PreventionGenetics, part of Exact Sciences
Classification: Likely benign for VCAN-related condition. Last evaluated: 2020-04-08. Review status: no assertion criteria provided. Collection method: clinical testing. Allele origin: germline. Not counted in ClinVar's aggregate classification.
Comment: This variant is classified as likely benign based on ACMG/AMP sequence variant interpretation guidelines (Richards et al. 2015 PMID: 25741868, with internal and published modifications).

NM_004385.5(VCAN):c.8448A>T (p.Thr2816=)

Genes: VCAN (versican; plus strand), VCAN-AS1 (VCAN antisense RNA 1; minus strand). Cytogenetic location: 5q14.3.
Variant type: single nucleotide variant.
Coding change: c.8448A>T on transcript NM_004385.5 (MANE Select); coding-DNA position 8448, A replaced by T.
Protein change: p.Thr2816=; no amino-acid change (threonine 2816 retained).
Molecular consequence: synonymous variant. On other transcripts: intron variant (2).
Genome position (GRCh38, 1-based): chr5:83,541,451, A>T. VCF-style: chr5-83541451-A-T. GRCh37 (hg19) VCF-style: chr5-82837270-A-T.
Other names: c.8448A>T (NM_004385.4); c.5487A>T, p.Thr1829= (NM_001164097.2); c.4004-4086A>T (NM_001164098.2); c.1043-4086A>T (NM_001126336.3).
Identifiers: ClinVar variation 1566303 (VCV001566303.11), dbSNP rs377044108, ClinGen allele CA3333806.
Genomic context (GRCh38, chr5:83,541,451, plus strand): 5'-TGATGTGATGGAAGGATCCAATCCCCCATATTACACTGATACAACATTAGCAGTTTCAAC[A>T]TTTGCGAAGTTGTCTTCTCAGACACCATCATCTCCCCTCACTATCTACTCAGGCAGTGAA-3'
Protein context (NP_004376.2, residues 2806-2826): YYTDTTLAVS[Thr2816=]FAKLSSQTPS